The following is an entry in ClinVar:

NM_177438.3(DICER1):c.3556A>G (p.Asn1186Asp)

Gene: DICER1 (dicer 1, ribonuclease III; minus strand). Cytogenetic location: 14q32.13.
Variant type: single nucleotide variant.
Coding change: c.3556A>G on transcript NM_177438.3 (MANE Select); coding-DNA position 3556, A replaced by G.
Protein change: p.Asn1186Asp; replaces asparagine 1186 with aspartic acid.
Molecular consequence: missense variant.
Genome position (GRCh38, 1-based): chr14:95,103,840, T>C on the plus strand (A>G on the coding strand, the complement: DICER1 is on the minus strand). VCF-style: chr14-95103840-T-C. GRCh37 (hg19) VCF-style: chr14-95570177-T-C.
Other names: c.3556A>G, p.Asn1186Asp (NM_001195573.1, NM_001271282.3, NM_001291628.2 and 1 more transcripts); short protein forms N1186D.
Identifiers: ClinVar variation 937280 (VCV000937280.14), dbSNP rs1891143081, ClinGen allele CA390874947.

ClinVar aggregate classification (germline): Uncertain significance. Review status: criteria provided, multiple submitters, no conflicts (2 of 4 stars). 2 submissions from 2 submitters: Uncertain significance (2). Last evaluated 2026-01-05.

Conditions:
DICER1-related tumor predisposition. Also called: DICER1 syndrome; DICER1-related pleuropulmonary blastoma cancer predisposition syndrome. Identifiers: Orphanet 284343, MedGen C3839822, MONDO:0100216.
Hereditary cancer-predisposing syndrome. Also called: Tumor predisposition; Hereditary neoplastic syndrome; Neoplastic Syndromes, Hereditary; Hereditary Cancer Syndrome. Identifiers: Orphanet 140162, MedGen C0027672, MeSH D009386, MONDO:0015356.

Allele frequency attached by ClinVar (database versions not stated): gnomAD exomes below 0.00001.
gnomAD v4.1: 1 of 1,614,196 alleles (0.000062%); highest among the groups gnomAD compares: Non-Finnish European, 0.000085%; no homozygotes.

Submissions (2):

Labcorp Genetics (formerly Invitae), Labcorp
Classification: Uncertain significance for DICER1-related tumor predisposition. Last evaluated: 2026-01-05. Review status: criteria provided, single submitter. Criteria: Invitae Variant Classification Sherloc (09022015). Collection method: clinical testing. Allele origin: germline.
Comment: This sequence change replaces asparagine, which is neutral and polar, with aspartic acid, which is acidic and polar, at codon 1186 of the DICER1 protein (p.Asn1186Asp). This variant is not present in population databases (gnomAD no frequency). This variant has not been reported in the literature in individuals affected with DICER1-related conditions. ClinVar contains an entry for this variant (Variation ID: 937280). Invitae Evidence Modeling of protein sequence and biophysical properties (such as structural, functional, and spatial information, amino acid conservation, physicochemical variation, residue mobility, and thermodynamic stability) indicates that this missense variant is not expected to disrupt DICER1 protein function with a negative predictive value of 95%. In summary, the available evidence is currently insufficient to determine the role of this variant in disease. Therefore, it has been classified as a Variant of Uncertain Significance.

Ambry Genetics
Classification: Uncertain significance for Hereditary cancer-predisposing syndrome. Last evaluated: 2024-06-12. Review status: criteria provided, single submitter. Criteria: Ambry Variant Classification Scheme 2023. Collection method: clinical testing. Allele origin: germline.
Comment: The p.N1186D variant (also known as c.3556A>G), located in coding exon 20 of the DICER1 gene, results from an A to G substitution at nucleotide position 3556. The asparagine at codon 1186 is replaced by aspartic acid, an amino acid with highly similar properties. This amino acid position is well conserved in available vertebrate species. In addition, this alteration is predicted to be tolerated by in silico analysis. Based on the available evidence, the clinical significance of this variant remains unclear.